The following is an entry in ClinVar:

ClinVar aggregate classification (germline): Uncertain significance (1 of 4 stars; one submission).

Conditions:
Charcot-Marie-Tooth disease type 2B (CMT2B). Also called: CHARCOT-MARIE-TOOTH DISEASE, AXONAL, TYPE 2B; CHARCOT-MARIE-TOOTH DISEASE, AUTOSOMAL DOMINANT, TYPE 2B; HEREDITARY MOTOR AND SENSORY NEUROPATHY IIB; Charcot-Marie-Tooth Neuropathy Type 2B. Identifiers: Orphanet 99936, MedGen C1833219, MONDO:0010949, OMIM 600882.

Allele frequency attached by ClinVar (database versions not stated): ExAC 0.00001; ESP Exome Variant Server 0.00008.

Submission:

Labcorp Genetics (formerly Invitae), Labcorp
Classification: Uncertain significance for Charcot-Marie-Tooth disease type 2B. Last evaluated: 2020-01-16. Review status: criteria provided, single submitter. Criteria: Invitae Variant Classification Sherloc (09022015). Collection method: clinical testing. Allele origin: germline.
Comment: Algorithms developed to predict the effect of missense changes on protein structure and function (SIFT, PolyPhen-2, Align-GVGD) all suggest that this variant is likely to be tolerated, but these predictions have not been confirmed by published functional studies and their clinical significance is uncertain. In summary, the available evidence is currently insufficient to determine the role of this variant in disease. Therefore, it has been classified as a Variant of Uncertain Significance. Algorithms developed to predict the effect of sequence changes on RNA splicing suggest that this variant may create or strengthen a splice site, but this prediction has not been confirmed by published transcriptional studies. This variant has not been reported in the literature in individuals with RAB7A-related conditions. This variant is present in population databases (rs368804888, ExAC 0.001%). This sequence change replaces alanine with threonine at codon 135 of the RAB7A protein (p.Ala135Thr). The alanine residue is weakly conserved and there is a small physicochemical difference between alanine and threonine.

NM_004637.6(RAB7A):c.403G>A (p.Ala135Thr)

Gene: RAB7A (RAB7A, member RAS oncogene family; plus strand). Cytogenetic location: 3q21.3.
Variant type: single nucleotide variant.
Coding change: c.403G>A on transcript NM_004637.6 (MANE Select); coding-DNA position 403, G replaced by A.
Protein change: p.Ala135Thr; replaces alanine 135 with threonine.
Molecular consequence: missense variant.
Genome position (GRCh38, 1-based): chr3:128,807,546, G>A. VCF-style: chr3-128807546-G-A. GRCh37 (hg19) VCF-style: chr3-128526389-G-A.
Other names: short protein forms A135T.
Identifiers: ClinVar variation 1039960 (VCV001039960.9), dbSNP rs368804888, ClinGen allele CA2600841.